The following is an entry in ClinVar:

ClinVar aggregate classification (germline): Uncertain significance (1 of 4 stars; one submission).

Conditions:
Singleton-Merten syndrome 1 (SGMRT1). Also called: Widened medullary cavities of bone, aortic calcification, abnormal dentition, and muscular weakness; Syndrome of widened medullary cavities of the metacarpals and phalanges, aortic calcification and abnormal dentition. Identifiers: Orphanet 85191, MedGen C4225427, MONDO:0024535, OMIM 182250.
Aicardi-Goutieres syndrome 7 (AGS7). Identifiers: Orphanet 51, MedGen C3888244, MONDO:0014367, OMIM 615846.

Allele frequency attached by ClinVar (database versions not stated): gnomAD exomes below 0.00001; TOPMed below 0.00001; gnomAD 0.00001.

Submission:

Labcorp Genetics (formerly Invitae), Labcorp
Classification: Uncertain significance for Aicardi-Goutieres syndrome 7; Singleton-Merten syndrome 1. Last evaluated: 2025-07-08. Review status: criteria provided, single submitter. Criteria: Invitae Variant Classification Sherloc (09022015). Collection method: clinical testing. Allele origin: germline.
Comment: This sequence change replaces glycine, which is neutral and non-polar, with alanine, which is neutral and non-polar, at codon 189 of the IFIH1 protein (p.Gly189Ala). This variant is present in population databases (no rsID available, gnomAD 0.0009%). This variant has not been reported in the literature in individuals affected with IFIH1-related conditions. This missense change has been observed in at least one individual who was not affected with IFIH1-related conditions (Invtiae). ClinVar contains an entry for this variant (Variation ID: 1500025). Invitae Evidence Modeling of protein sequence and biophysical properties (such as structural, functional, and spatial information, amino acid conservation, physicochemical variation, residue mobility, and thermodynamic stability) has been performed for this missense variant. However, the output from this modeling did not meet the statistical confidence thresholds required to predict the impact of this variant on IFIH1 protein function. In summary, the available evidence is currently insufficient to determine the role of this variant in disease. Therefore, it has been classified as a Variant of Uncertain Significance.

NM_022168.4(IFIH1):c.566G>C (p.Gly189Ala)

Gene: IFIH1 (interferon induced with helicase C domain 1; minus strand). Cytogenetic location: 2q24.2.
Variant type: single nucleotide variant.
Coding change: c.566G>C on transcript NM_022168.4 (MANE Select); coding-DNA position 566, G replaced by C.
Protein change: p.Gly189Ala; replaces glycine 189 with alanine.
Molecular consequence: missense variant.
Genome position (GRCh38, 1-based): chr2:162,310,821, C>G on the plus strand (G>C on the coding strand, the complement: IFIH1 is on the minus strand). VCF-style: chr2-162310821-C-G. GRCh37 (hg19) VCF-style: chr2-163167331-C-G.
Other names: short protein forms G189A.
Identifiers: ClinVar variation 1500025 (VCV001500025.6), dbSNP rs898426581, ClinGen allele CA349010975.